The following is an entry in ClinVar:

NM_022356.4(P3H1):c.1484_1485dup (p.Ser496fs)

Gene: P3H1 (prolyl 3-hydroxylase 1; minus strand). Cytogenetic location: 1p34.2.
Variant type: Duplication.
Coding change: c.1484_1485dup on transcript NM_022356.4 (MANE Select); coding-DNA positions 1484 to 1485, 2 bases duplicated (CC; older notation c.1484_1485dupCC).
Protein change: p.Ser496fs; shifts the reading frame from serine 496.
Molecular consequence: frameshift variant.
Genome position (GRCh38, 1-based): chr1:42,752,358-42,752,359, GG duplicated on the plus strand (CC on the coding strand, the reverse complement: P3H1 is on the minus strand). VCF-style (leftmost placement, unchanged base first): chr1-42752357-A-AGG. GRCh37 (hg19) VCF-style: chr1-43218028-A-AGG.
Other names: c.1484_1485dup, p.Ser496fs (NM_001146289.2, NM_001243246.2); short protein forms S496fs.
Identifiers: ClinVar variation 2746791 (VCV002746791.3), dbSNP rs2524436642, ClinGen allele CA2697552345.
Genomic context (GRCh38, chr1:42,752,357, plus strand): 5'-CACCATAGAACTTTTCATTGGGAGTATGTGGGGAGGTCTGACCCCGGTAGCCATCTCCTG[A>AGG]GGTTGCTGCCACCTACAAGGCCCAAAACACAAGGTGATGTTAGCCAGGGCAGCTGAGGGC-3'

ClinVar aggregate classification (germline): Pathogenic (1 of 4 stars; one submission).

Conditions:
Osteogenesis imperfecta type 8 (OI8). Identifiers: MedGen C1970458, MONDO:0012581, OMIM 610915.

Submission:

Labcorp Genetics (formerly Invitae), Labcorp
Classification: Pathogenic for Osteogenesis imperfecta type 8. Last evaluated: 2023-07-25. Review status: criteria provided, single submitter. Criteria: Invitae Variant Classification Sherloc (09022015). Collection method: clinical testing. Allele origin: germline.
Comment: For these reasons, this variant has been classified as Pathogenic. This sequence change creates a premature translational stop signal (p.Ser496Profs*47) in the P3H1 gene. It is expected to result in an absent or disrupted protein product. Loss-of-function variants in P3H1 are known to be pathogenic (PMID: 17277775, 18566967, 19088120, 22281939). This variant is not present in population databases (gnomAD no frequency). This variant has not been reported in the literature in individuals affected with P3H1-related conditions.

Literature cited by the submitters: PubMed 17277775; PubMed 18566967; PubMed 19088120; PubMed 22281939.